The following is an entry in ClinVar:

ClinVar aggregate classification (germline): Uncertain significance (1 of 4 stars; one submission).

Submission:

Mayo Clinic Laboratories, Mayo Clinic
Classification: Uncertain significance. Last evaluated: 2025-02-01. Review status: criteria provided, single submitter. Criteria: ACMG Guidelines, 2015. Collection method: clinical testing. Allele origin: germline. Observed: 1 variant allele.
Comment: PM2_supporting, PVS1_moderate

NM_005726.6(TSFM):c.698del (p.Lys233fs)

Gene: TSFM (Ts translation elongation factor, mitochondrial; plus strand). Cytogenetic location: 12q14.1.
Variant type: Deletion.
Coding change: c.698del on transcript NM_005726.6 (MANE Select); coding-DNA position 698, one base deleted (A; older notation c.698delA).
Protein change: p.Lys233fs; shifts the reading frame from lysine 233.
Molecular consequence: frameshift variant. On other transcripts: 3 prime UTR variant (1), intron variant (1).
Genome position (GRCh38, 1-based): chr12:57,796,303, A deleted; the last of 2 consecutive A bases (chr12:57,796,302-57,796,303); deleting either gives the same sequence. VCF-style (leftmost placement, unchanged base first): chr12-57796301-GA-G. GRCh37 (hg19) VCF-style: chr12-58190084-GA-G.
Other names: p.Lys254Serfs*75; c.*106del (NM_001172695.2); c.761del, p.Lys254fs (NM_001172696.2); c.571+3230del (NM_001172697.2); short protein forms K254fs, K233fs.
Identifiers: ClinVar variation 4541728 (VCV004541728.1).